The following is an entry in ClinVar:

ClinVar aggregate classification (germline): Likely pathogenic (1 of 4 stars; one submission).

Submission:

Dasa
Classification: Likely pathogenic. Last evaluated: 2025-11-24. Review status: criteria provided, single submitter. Criteria: DASA Assertion Criteria. Collection method: clinical testing. Allele origin: germline.
Comment: NM_001042492.3(NF1):c.6921+2T>G introduces a premature termination codon predicted to result in loss of normal protein function. Loss-of-function is an established mechanism of disease for this gene. The variant is present at low frequency in population datasets. Based on the available data, this variant is classified as likely pathogenic.

NM_001042492.3(NF1):c.6921+2T>G

Gene: NF1 (neurofibromin 1; plus strand). Cytogenetic location: 17q11.2.
Variant type: single nucleotide variant.
Coding change: c.6921+2T>G on transcript NM_001042492.3 (MANE Select); the canonical splice donor site of the intron after coding-DNA position 6921, T replaced by G.
Molecular consequence: splice donor variant.
Genome position (GRCh38, 1-based): chr17:31,338,807, T>G. VCF-style: chr17-31338807-T-G. GRCh37 (hg19) VCF-style: chr17-29665825-T-G.
Other names: c.6858+2T>G (NM_000267.4).
Identifiers: ClinVar variation 4851866 (VCV004851866.1).
Genomic context (GRCh38, chr17:31,338,807, plus strand): 5'-AAGTTCTGATAGAAGCTACAGTAATAGCACTAACCAAATTACAGCCACTTCTTAATAAGG[T>G]AATTACTGTATAGAAAATGAGTGCATTCATTTTGGGTATCAGTGTTGAATGTTACTTTCT-3'